The following is an entry in ClinVar:

NM_001366057.1(OTUD4):c.1699G>A (p.Val567Met)

Gene: OTUD4 (OTU deubiquitinase 4; minus strand). Cytogenetic location: 4q31.21.
Variant type: single nucleotide variant.
Coding change: c.1699G>A on transcript NM_001366057.1 (MANE Select); coding-DNA position 1699, G replaced by A.
Protein change: p.Val567Met; replaces valine 567 with methionine.
Molecular consequence: missense variant.
Genome position (GRCh38, 1-based): chr4:145,142,319, C>T on the plus strand (G>A on the coding strand, the complement: OTUD4 is on the minus strand). VCF-style: chr4-145142319-C-T. GRCh37 (hg19) VCF-style: chr4-146063471-C-T.
Other names: c.1504G>A, p.Val502Met (NM_001102653.1); short protein forms V502M, V567M.
Identifiers: ClinVar variation 3038194 (VCV003038194.2), dbSNP rs151020153, ClinGen allele CA3094250.
Genomic context (GRCh38, chr4:145,142,319, plus strand): 5'-CCGCAGGAGTTAGATGTACCTCTGGAGAAACTAGAAGGGGAGCTGGATTTGACAAAGACA[C>T]ATGTTCTGCTGGCTTCTTCAAGAAAGGGGTGAGTGGGGGAAGACAGAAAAAGACAAGAGG-3'
Protein context (NP_001352986.1, residues 557-577): SPAEQKPAEH[Val567Met]SLSNPAPLLV

ClinVar aggregate classification (germline): Likely benign (0 of 4 stars; one submission).

Conditions:
OTUD4-related disorder. Also called: OTUD4-related condition.

Allele frequency attached by ClinVar (database versions not stated): 1000 Genomes Project 30x 0.00078; 1000 Genomes Project 0.00080; TOPMed 0.00209; gnomAD 0.00225; ExAC 0.00237; ESP Exome Variant Server 0.00277; gnomAD exomes 0.00360.
gnomAD v4.1: 5,535 of 1,613,878 alleles (0.34%); highest among the groups gnomAD compares: Non-Finnish European, 0.44%; 11 homozygotes.

Submission:

PreventionGenetics, part of Exact Sciences
Classification: Likely benign for OTUD4-related condition. Last evaluated: 2022-02-15. Review status: no assertion criteria provided. Collection method: clinical testing. Allele origin: germline.
Comment: This variant is classified as likely benign based on ACMG/AMP sequence variant interpretation guidelines (Richards et al. 2015 PMID: 25741868, with internal and published modifications).